The following is an entry in ClinVar:

ClinVar aggregate classification (germline): Uncertain significance (1 of 4 stars; one submission).

Allele frequency attached by ClinVar (database versions not stated): TOPMed below 0.00001.

Submission:

CeGaT Center for Human Genetics Tuebingen
Classification: Uncertain significance. Last evaluated: 2024-01-01. Review status: criteria provided, single submitter. Criteria: CeGaT Center For Human Genetics Tuebingen Variant Classification Criteria Version 2. Collection method: clinical testing. Allele origin: germline. Affected: yes. Observed: 1 variant allele.
Comment: PIGQ: PM2, BP1

NM_004204.5(PIGQ):c.1412C>T (p.Thr471Ile)

Gene: PIGQ (phosphatidylinositol glycan anchor biosynthesis class Q; plus strand). Cytogenetic location: 16p13.3.
Variant type: single nucleotide variant.
Coding change: c.1412C>T on transcript NM_004204.5 (MANE Select); coding-DNA position 1412, C replaced by T.
Protein change: p.Thr471Ile; replaces threonine 471 with isoleucine.
Molecular consequence: missense variant.
Genome position (GRCh38, 1-based): chr16:580,259, C>T. VCF-style: chr16-580259-C-T. GRCh37 (hg19) VCF-style: chr16-630259-C-T.
Other names: c.1412C>T, p.Thr471Ile (NM_148920.4); short protein forms T471I.
Identifiers: ClinVar variation 3025650 (VCV003025650.22), dbSNP rs2035790769, ClinGen allele CA394058927.